The following is an entry in ClinVar:

ClinVar aggregate classification (germline): Uncertain significance (1 of 4 stars; one submission).

Submission:

Dasa
Classification: Uncertain significance. Last evaluated: 2024-11-08. Review status: criteria provided, single submitter. Criteria: DASA Assertion Criteria. Collection method: clinical testing. Allele origin: germline.
Comment: NM_001394372.1(BICRA):c.2240C>T (p.Pro747Leu) is a missense variant that results in the substitution of proline with leucine. This variant is rare in population databases. Computational prediction algorithms are consistent with a benign effect. The currently available literature and clinical evidence are not sufficient to establish a definitive association between this variant and the reported condition. Therefore, this variant is classified as a variant of uncertain significance.

NM_001394372.1(BICRA):c.2240C>T (p.Pro747Leu)

Gene: BICRA (BRD4 interacting chromatin remodeling complex associated protein; plus strand). Cytogenetic location: 19q13.33.
Variant type: single nucleotide variant.
Coding change: c.2240C>T on transcript NM_001394372.1 (MANE Select); coding-DNA position 2240, C replaced by T.
Protein change: p.Pro747Leu; replaces proline 747 with leucine.
Molecular consequence: missense variant.
Genome position (GRCh38, 1-based): chr19:47,682,109, C>T. VCF-style: chr19-47682109-C-T. GRCh37 (hg19) VCF-style: chr19-48185366-C-T.
Other names: c.2240C>T, p.Pro747Leu (NM_015711.3); short protein forms P747L.
Identifiers: ClinVar variation 4883559 (VCV004883559.2).
Genomic context (GRCh38, chr19:47,682,109, plus strand): 5'-CGCCTCCCGCCCAAGACCCAGCCCCAGCCACCCCCGTCGCCAAAGGAGCTGGCCTCGGCC[C>T]TCAGGCCCCCGACAGCCAGGCTTCCCCGGCTCCGGCCCCCCAGGTAGAGGGACCCCAGCA-3'
Protein context (NP_001381301.1, residues 737-757): TPVAKGAGLG[Pro747Leu]QAPDSQASPA